The following is an entry in ClinVar:

NM_005529.7(HSPG2):c.2171G>A (p.Arg724His)

Gene: HSPG2 (heparan sulfate proteoglycan 2; minus strand). Cytogenetic location: 1p36.12.
Variant type: single nucleotide variant.
Coding change: c.2171G>A on transcript NM_005529.7 (MANE Select); coding-DNA position 2171, G replaced by A.
Protein change: p.Arg724His; replaces arginine 724 with histidine.
Molecular consequence: missense variant.
Genome position (GRCh38, 1-based): chr1:21,880,387, C>T on the plus strand (G>A on the coding strand, the complement: HSPG2 is on the minus strand). VCF-style: chr1-21880387-C-T. GRCh37 (hg19) VCF-style: chr1-22206880-C-T.
Other names: c.2174G>A, p.Arg725His (NM_001291860.2); short protein forms R724H, R725H.
Identifiers: ClinVar variation 2413739 (VCV002413739.3), dbSNP rs764179002, ClinGen allele CA673169.
Genomic context (GRCh38, chr1:21,880,387, plus strand): 5'-GGTCTCTGTGGTTCCCAGCCCTGCCGGCTCAGGCACCTGCACTCCTCCACACTGTGGGCA[C>T]GGCCATGGCTGGTGGCATGGGTGACGGTGGTATCCATGGCGATGTCGCTAAGTCCCACGC-3'
Protein context (NP_005520.4, residues 714-734): TTVTHATSHG[Arg724His]AHSVEECRCP

ClinVar aggregate classification (germline): Uncertain significance (1 of 4 stars; one submission).

Allele frequency attached by ClinVar (database versions not stated): gnomAD 0.00001; ExAC 0.00002; TOPMed 0.00002.
gnomAD v4.1: 17 of 1,613,980 alleles (0.0011%); highest among the groups gnomAD compares: Admixed American, 0.0033%; no homozygotes.

Submission:

Labcorp Genetics (formerly Invitae), Labcorp
Classification: Uncertain significance. Last evaluated: 2022-09-12. Review status: criteria provided, single submitter. Criteria: Invitae Variant Classification Sherloc (09022015). Collection method: clinical testing. Allele origin: germline.
Comment: This sequence change replaces arginine, which is basic and polar, with histidine, which is basic and polar, at codon 724 of the HSPG2 protein (p.Arg724His). This variant is present in population databases (rs764179002, gnomAD 0.006%). This variant has not been reported in the literature in individuals affected with HSPG2-related conditions. Algorithms developed to predict the effect of missense changes on protein structure and function output the following: SIFT: "Tolerated"; PolyPhen-2: "Benign"; Align-GVGD: "Class C0". The histidine amino acid residue is found in multiple mammalian species, which suggests that this missense change does not adversely affect protein function. In summary, the available evidence is currently insufficient to determine the role of this variant in disease. Therefore, it has been classified as a Variant of Uncertain Significance.